The following is an entry in ClinVar:

ClinVar aggregate classification (germline): Uncertain significance. Review status: criteria provided, multiple submitters, no conflicts (2 of 4 stars). 2 submissions from 2 submitters: Uncertain significance (2). Last evaluated 2025-01-11.

Conditions:
Hereditary cancer-predisposing syndrome. Also called: Tumor predisposition; Neoplastic Syndromes, Hereditary; Hereditary neoplastic syndrome; Hereditary Cancer Syndrome. Identifiers: Orphanet 140162, MedGen C0027672, MeSH D009386, MONDO:0015356.
Gorlin syndrome. Also called: Basal cell nevus syndrome; Nevoid Basal Cell Carcinoma Syndrome. Identifiers: Orphanet 377, MedGen C0004779, MONDO:0007187.
Medulloblastoma (MDB). Also called: MEDULLOBLASTOMA PREDISPOSITION SYNDROME; Medulloblastoma, somatic. Identifiers: Orphanet 616, MedGen C0025149, MeSH D008527, MONDO:0007959, OMIM 155255, HP:0002885.

Submissions (2):

Ambry Genetics
Classification: Uncertain significance for Hereditary cancer-predisposing syndrome. Last evaluated: 2025-01-11. Review status: criteria provided, single submitter. Criteria: Ambry Variant Classification Scheme 2023. Collection method: clinical testing. Allele origin: germline.
Comment: The p.G415V variant (also known as c.1244G>T), located in coding exon 10 of the SUFU gene, results from a G to T substitution at nucleotide position 1244. The glycine at codon 415 is replaced by valine, an amino acid with dissimilar properties. This amino acid position is conserved. In addition, this alteration is predicted to be deleterious by in silico analysis. Based on the available evidence, the clinical significance of this variant remains unclear.

Labcorp Genetics (formerly Invitae), Labcorp
Classification: Uncertain significance for Gorlin syndrome; Medulloblastoma. Last evaluated: 2024-08-03. Review status: criteria provided, single submitter. Criteria: Invitae Variant Classification Sherloc (09022015). Collection method: clinical testing. Allele origin: germline.
Comment: This sequence change replaces glycine, which is neutral and non-polar, with valine, which is neutral and non-polar, at codon 415 of the SUFU protein (p.Gly415Val). This variant is not present in population databases (gnomAD no frequency). This variant has not been reported in the literature in individuals affected with SUFU-related conditions. Advanced modeling of protein sequence and biophysical properties (such as structural, functional, and spatial information, amino acid conservation, physicochemical variation, residue mobility, and thermodynamic stability) performed at Invitae indicates that this missense variant is expected to disrupt SUFU protein function with a positive predictive value of 80%. In summary, the available evidence is currently insufficient to determine the role of this variant in disease. Therefore, it has been classified as a Variant of Uncertain Significance.

NM_016169.4(SUFU):c.1244G>T (p.Gly415Val)

Gene: SUFU (SUFU negative regulator of hedgehog signaling; plus strand). Cytogenetic location: 10q24.32.
Variant type: single nucleotide variant.
Coding change: c.1244G>T on transcript NM_016169.4 (MANE Select); coding-DNA position 1244, G replaced by T.
Protein change: p.Gly415Val; replaces glycine 415 with valine.
Molecular consequence: missense variant.
Genome position (GRCh38, 1-based): chr10:102,617,376, G>T. VCF-style: chr10-102617376-G-T. GRCh37 (hg19) VCF-style: chr10-104377133-G-T.
Other names: c.1244G>T, p.Gly415Val (NM_001178133.2); short protein forms G415V.
Identifiers: ClinVar variation 3763812 (VCV003763812.3).
Genomic context (GRCh38, chr10:102,617,376, plus strand): 5'-TTACATATAAAAGTATCACAGGTGACATGGCCATCACGTTTGTCTCCACGGGAGTGGAAG[G>T]CGCCTTTGCCACTGAGGAGCATCCTTACGCGGCTCATGGACCCTGGTTACAAGTGAGAAG-3'
Protein context (NP_057253.2, residues 405-425): AITFVSTGVE[Gly415Val]AFATEEHPYA